The following is an entry in ClinVar:

ClinVar aggregate classification (germline): Benign/Likely benign. Review status: criteria provided, multiple submitters, no conflicts (2 of 4 stars). 2 submissions from 2 submitters: Benign (1); Likely benign (1). Last evaluated 2026-04-29.

Conditions:
Colorectal cancer, hereditary nonpolyposis, type 7. Identifiers: Orphanet 144, MedGen C1858380, MONDO:0013725, OMIM 614385.

Allele frequency attached by ClinVar (database versions not stated): gnomAD exomes below 0.00001.
gnomAD v4.1: 4 of 1,614,222 alleles (0.00025%); highest among the groups gnomAD compares: Non-Finnish European, 0.00034%; no homozygotes.

Submissions (2):

Myriad Genetics, Inc.
Classification: Benign for Colorectal cancer, hereditary nonpolyposis, type 7. Last evaluated: 2026-04-29. Review status: criteria provided, single submitter. Criteria: Myriad Autosomal Dominant, Autosomal Recessive and X-Linked Classification Criteria (2023). Collection method: clinical testing. Allele origin: unknown.
Comment: This variant is considered benign. This variant is a silent/synonymous amino acid change and it is not expected to impact splicing.

Ambry Genetics
Classification: Likely benign. Last evaluated: 2023-11-03. Review status: criteria provided, single submitter. Criteria: Ambry Variant Classification Scheme 2023. Collection method: clinical testing. Allele origin: germline.

NM_001040108.2(MLH3):c.520A>C (p.Arg174=)

Gene: MLH3 (mutL homolog 3; minus strand). Cytogenetic location: 14q24.3.
Variant type: single nucleotide variant.
Coding change: c.520A>C on transcript NM_001040108.2 (MANE Select); coding-DNA position 520, A replaced by C.
Protein change: p.Arg174=; no amino-acid change (arginine 174 retained).
Molecular consequence: synonymous variant.
Genome position (GRCh38, 1-based): chr14:75,049,136, T>G on the plus strand (A>C on the coding strand, the complement: MLH3 is on the minus strand). VCF-style: chr14-75049136-T-G. GRCh37 (hg19) VCF-style: chr14-75515839-T-G.
Other names: c.520A>C, p.Arg174= (NM_014381.3).
Identifiers: ClinVar variation 3232578 (VCV003232578.2), dbSNP rs2503325446, ClinGen allele CA487274585.